The following is an entry in ClinVar:

ClinVar aggregate classification (germline): Uncertain significance (1 of 4 stars; one submission).

Conditions:
Brody myopathy. Also called: BRODY DISEASE. Identifiers: Orphanet 53347, MedGen C1832918, MONDO:0010977, OMIM 601003.

Submission:

Labcorp Genetics (formerly Invitae), Labcorp
Classification: Uncertain significance for Brody myopathy. Last evaluated: 2022-08-19. Review status: criteria provided, single submitter. Criteria: Invitae Variant Classification Sherloc (09022015). Collection method: clinical testing. Allele origin: germline.
Comment: In summary, the available evidence is currently insufficient to determine the role of this variant in disease. Therefore, it has been classified as a Variant of Uncertain Significance. Algorithms developed to predict the effect of missense changes on protein structure and function are either unavailable or do not agree on the potential impact of this missense change (SIFT: "Deleterious"; PolyPhen-2: "Probably Damaging"; Align-GVGD: "Class C0"). This variant has not been reported in the literature in individuals affected with ATP2A1-related conditions. This variant is not present in population databases (gnomAD no frequency). This sequence change replaces alanine, which is neutral and non-polar, with serine, which is neutral and polar, at codon 270 of the ATP2A1 protein (p.Ala270Ser).

NM_004320.6(ATP2A1):c.808G>T (p.Ala270Ser)

Gene: ATP2A1 (ATPase sarcoplasmic/endoplasmic reticulum Ca2+ transporting 1; plus strand). Cytogenetic location: 16p11.2.
Variant type: single nucleotide variant.
Coding change: c.808G>T on transcript NM_004320.6 (MANE Select); coding-DNA position 808, G replaced by T.
Protein change: p.Ala270Ser; replaces alanine 270 with serine.
Molecular consequence: missense variant.
Genome position (GRCh38, 1-based): chr16:28,887,602, G>T. VCF-style: chr16-28887602-G-T. GRCh37 (hg19) VCF-style: chr16-28898923-G-T.
Other names: c.433G>T, p.Ala145Ser (NM_001286075.2); c.808G>T, p.Ala270Ser (NM_173201.5); short protein forms A145S, A270S.
Identifiers: ClinVar variation 1715320 (VCV001715320.6), dbSNP rs2506283168, ClinGen allele CA395404004.